The following is an entry in ClinVar:

NM_002439.5(MSH3):c.1612A>T (p.Asn538Tyr)

Gene: MSH3 (mutS homolog 3; plus strand). Cytogenetic location: 5q14.1.
Variant type: single nucleotide variant.
Coding change: c.1612A>T on transcript NM_002439.5 (MANE Select); coding-DNA position 1612, A replaced by T.
Protein change: p.Asn538Tyr; replaces asparagine 538 with tyrosine.
Molecular consequence: missense variant.
Genome position (GRCh38, 1-based): chr5:80,741,507, A>T. VCF-style: chr5-80741507-A-T. GRCh37 (hg19) VCF-style: chr5-80037326-A-T.
Other names: short protein forms N538Y.
Identifiers: ClinVar variation 3222244 (VCV003222244.1), dbSNP rs2546760459, ClinGen allele CA360274513.
Genomic context (GRCh38, chr5:80,741,507, plus strand): 5'-ATTTGATTCTTTTACAGGAATTTTAAACAGCTATCAAGTAAAATGGAATTTATGACAATT[A>T]ATGGAACAACATTAAGGAATCTGGAAATCCTACAGAATCAGGTCAGGCAAATACAAGGGC-3'
Protein context (NP_002430.3, residues 528-548): LSSKMEFMTI[Asn538Tyr]GTTLRNLEIL

ClinVar aggregate classification (germline): Uncertain significance (1 of 4 stars; one submission).

Conditions:
Hereditary cancer-predisposing syndrome. Also called: Tumor predisposition; Hereditary neoplastic syndrome; Hereditary Cancer Syndrome; Neoplastic Syndromes, Hereditary. Identifiers: Orphanet 140162, MedGen C0027672, MeSH D009386, MONDO:0015356.

Submission:

Ambry Genetics
Classification: Uncertain significance for Hereditary cancer-predisposing syndrome. Last evaluated: 2023-11-12. Review status: criteria provided, single submitter. Criteria: Ambry Variant Classification Scheme 2023. Collection method: clinical testing. Allele origin: germline.
Comment: The p.N538Y variant (also known as c.1612A>T), located in coding exon 11 of the MSH3 gene, results from an A to T substitution at nucleotide position 1612. The asparagine at codon 538 is replaced by tyrosine, an amino acid with dissimilar properties. This amino acid position is conserved. In addition, this alteration is predicted to be deleterious by in silico analysis. Since supporting evidence is limited at this time, the clinical significance of this alteration remains unclear.